The following is an entry in ClinVar:

ClinVar aggregate classification (germline): Uncertain significance. Review status: criteria provided, multiple submitters, no conflicts (2 of 4 stars). 2 submissions from 2 submitters: Uncertain significance (2). Last evaluated 2024-11-21.

Conditions:
Hereditary cancer-predisposing syndrome. Also called: Hereditary Cancer Syndrome; Tumor predisposition; Hereditary neoplastic syndrome; Neoplastic Syndromes, Hereditary. Identifiers: Orphanet 140162, MedGen C0027672, MeSH D009386, MONDO:0015356.
Waardenburg syndrome type 2A (WS2A). Also called: WAARDENBURG SYNDROME WITHOUT DYSTOPIA CANTHORUM. Identifiers: Orphanet 3440, MedGen C1860339, MONDO:0008671, OMIM 193510.
Melanoma, cutaneous malignant, susceptibility to, 8. Also called: MELANOMA AND RENAL CELL CARCINOMA, SUSCEPTIBILITY TO; Cutaneous malignant melanoma 8. Identifiers: Orphanet 293822, MedGen C3152204, MONDO:0013759, OMIM 614456.
Tietz syndrome (TADS). Also called: ALBINISM-DEAFNESS OF TIETZ; HYPOPIGMENTATION/DEAFNESS OF TIETZ; TIETZ ALBINISM-DEAFNESS SYNDROME. Identifiers: Orphanet 42665, MedGen C0391816, MONDO:0007077, OMIM 103500.

gnomAD v4.1: 5 of 1,613,818 alleles (0.00031%); highest among the groups gnomAD compares: Non-Finnish European, 0.00042%; no homozygotes.

Submissions (2):

Ambry Genetics
Classification: Uncertain significance for Hereditary cancer-predisposing syndrome. Last evaluated: 2024-11-21. Review status: criteria provided, single submitter. Criteria: Ambry Variant Classification Scheme 2023. Collection method: clinical testing. Allele origin: germline.
Comment: The p.I285M variant (also known as c.855A>G), located in coding exon 8 of the MITF gene, results from an A to G substitution at nucleotide position 855. The isoleucine at codon 285 is replaced by methionine, an amino acid with highly similar properties. This amino acid position is conserved. In addition, this alteration is predicted to be tolerated by in silico analysis. Based on the available evidence, the clinical significance of this variant remains unclear.

Labcorp Genetics (formerly Invitae), Labcorp
Classification: Uncertain significance for Melanoma, cutaneous malignant, susceptibility to, 8; Waardenburg syndrome type 2A; Tietz syndrome. Last evaluated: 2024-04-15. Review status: criteria provided, single submitter. Criteria: Invitae Variant Classification Sherloc (09022015). Collection method: clinical testing. Allele origin: germline.
Comment: This sequence change replaces isoleucine, which is neutral and non-polar, with methionine, which is neutral and non-polar, at codon 285 of the MITF protein (p.Ile285Met). This variant is present in population databases (rs748155126, gnomAD 0.007%). This variant has not been reported in the literature in individuals affected with MITF-related conditions. Advanced modeling of protein sequence and biophysical properties (such as structural, functional, and spatial information, amino acid conservation, physicochemical variation, residue mobility, and thermodynamic stability) performed at Invitae indicates that this missense variant is expected to disrupt MITF protein function with a positive predictive value of 80%. In summary, the available evidence is currently insufficient to determine the role of this variant in disease. Therefore, it has been classified as a Variant of Uncertain Significance.

NM_001354604.2(MITF):c.1176A>G (p.Ile392Met)

Gene: MITF (melanocyte inducing transcription factor; plus strand). Cytogenetic location: 3p13.
Variant type: single nucleotide variant.
Coding change: c.1176A>G on transcript NM_001354604.2 (MANE Select); coding-DNA position 1176, A replaced by G.
Protein change: p.Ile392Met; replaces isoleucine 392 with methionine.
Molecular consequence: missense variant.
Genome position (GRCh38, 1-based): chr3:69,959,417, A>G. VCF-style: chr3-69959417-A-G. GRCh37 (hg19) VCF-style: chr3-70008568-A-G.
Other names: c.855A>G, p.Ile285Met (NM_000248.4); c.1002A>G, p.Ile334Met (NM_001184967.2, NM_001354608.2); c.1173A>G, p.Ile391Met (NM_001354605.2); c.1155A>G, p.Ile385Met (NM_001354606.2, NM_006722.3); c.1107A>G, p.Ile369Met (NM_001354607.2); c.837A>G, p.Ile279Met (NM_198158.3); c.1158A>G, p.Ile386Met (NM_198159.3); c.1110A>G, p.Ile370Met (NM_198177.3); and 1 more; short protein forms I285M, I391M, I392M, I223M, I279M, I370M, I334M, I369M.
Identifiers: ClinVar variation 3396331 (VCV003396331.3).